The following is an entry in ClinVar:

NM_021784.5(FOXA2):c.1049A>G (p.Gln350Arg)

Gene: FOXA2 (forkhead box A2; minus strand). Cytogenetic location: 20p11.21.
Variant type: single nucleotide variant.
Coding change: c.1049A>G on transcript NM_021784.5 (MANE Select); coding-DNA position 1049, A replaced by G.
Protein change: p.Gln350Arg; replaces glutamine 350 with arginine.
Molecular consequence: missense variant.
Genome position (GRCh38, 1-based): chr20:22,582,193, T>C on the plus strand (A>G on the coding strand, the complement: FOXA2 is on the minus strand). VCF-style: chr20-22582193-T-C. GRCh37 (hg19) VCF-style: chr20-22562831-T-C.
Other names: c.1031A>G, p.Gln344Arg (NM_153675.3); short protein forms Q344R, Q350R.
Identifiers: ClinVar variation 3641774 (VCV003641774.2).

ClinVar aggregate classification (germline): Uncertain significance (1 of 4 stars; one submission).

Submission:

Labcorp Genetics (formerly Invitae), Labcorp
Classification: Uncertain significance. Last evaluated: 2025-05-27. Review status: criteria provided, single submitter. Criteria: Invitae Variant Classification Sherloc (09022015). Collection method: clinical testing. Allele origin: germline.
Comment: This sequence change replaces glutamine, which is neutral and polar, with arginine, which is basic and polar, at codon 350 of the FOXA2 protein (p.Gln350Arg). This variant is not present in population databases (gnomAD no frequency). This variant has not been reported in the literature in individuals affected with FOXA2-related conditions. ClinVar contains an entry for this variant (Variation ID: 3641774). An algorithm developed to predict the effect of missense changes on protein structure and function (PolyPhen-2) suggests that this variant is likely to be tolerated. In summary, the available evidence is currently insufficient to determine the role of this variant in disease. Therefore, it has been classified as a Variant of Uncertain Significance.